The following is an entry in ClinVar:

NM_002451.4(MTAP):c.*895G>A

Gene: MTAP (methylthioadenosine phosphorylase; plus strand). Cytogenetic location: 9p21.3.
Variant type: single nucleotide variant.
Coding change: c.*895G>A on transcript NM_002451.4 (MANE Select); 895 bases downstream of the stop codon, G replaced by A.
Molecular consequence: 3 prime UTR variant.
Genome position (GRCh38, 1-based): chr9:21,862,909, G>A. VCF-style: chr9-21862909-G-A. GRCh37 (hg19) VCF-style: chr9-21862908-G-A.
Identifiers: ClinVar variation 366269 (VCV000366269.5), dbSNP rs41270137, ClinGen allele CA10633240.

ClinVar aggregate classification (germline): Benign (1 of 4 stars; one submission).

Conditions:
Diaphyseal medullary stenosis-bone malignancy syndrome. Also called: MYOPATHY, LIMB-GIRDLE, WITH BONE FRAGILITY; BONE DYSPLASIA WITH MALIGNANT FIBROUS HISTIOCYTOMA; BONE DYSPLASIA WITH MEDULLARY FIBROSARCOMA. Identifiers: Orphanet 85182, MedGen C1862177, MONDO:0007205, OMIM 112250.

Allele frequency attached by ClinVar (database versions not stated): 1000 Genomes Project 30x 0.00094; 1000 Genomes Project 0.00100; gnomAD 0.00167 and 0.00170; TOPMed 0.00173.
gnomAD v4.1: 2,568 of 961,928 alleles (0.27%); highest among the groups gnomAD compares: Middle Eastern, 0.59%; 1 homozygote.

Submission:

Illumina Laboratory Services, Illumina
Classification: Benign for Diaphyseal medullary stenosis-bone malignancy syndrome. Last evaluated: 2018-01-12. Review status: criteria provided, single submitter. Criteria: ICSL Variant Classification Criteria 13 December 2019. Collection method: clinical testing. Allele origin: germline.
Comment: This variant was observed in the ICSL laboratory as part of a predisposition screen in an ostensibly healthy population. It had not been previously curated by ICSL or reported in the Human Gene Mutation Database (HGMD: prior to June 1st, 2018), and was therefore a candidate for classification through an automated scoring system. Utilizing variant allele frequency, disease prevalence and penetrance estimates, and inheritance mode, an automated score was calculated to assess if this variant is too frequent to cause the disease. Based on the score and internal cut-off values, a variant classified as benign is not then subjected to further curation. The score for this variant resulted in a classification of benign for this disease.